The following is an entry in ClinVar:

NM_004958.4(MTOR):c.4417G>A (p.Asp1473Asn)

Gene: MTOR (mechanistic target of rapamycin kinase; minus strand). Cytogenetic location: 1p36.22.
Variant type: single nucleotide variant.
Coding change: c.4417G>A on transcript NM_004958.4 (MANE Select); coding-DNA position 4417, G replaced by A.
Protein change: p.Asp1473Asn; replaces aspartic acid 1473 with asparagine.
Molecular consequence: missense variant.
Genome position (GRCh38, 1-based): chr1:11,157,204, C>T on the plus strand (G>A on the coding strand, the complement: MTOR is on the minus strand). VCF-style: chr1-11157204-C-T. GRCh37 (hg19) VCF-style: chr1-11217261-C-T.
Other names: short protein forms D1473N.
Identifiers: ClinVar variation 961357 (VCV000961357.1), dbSNP rs1313381757, ClinGen allele CA338371725.

ClinVar aggregate classification (germline): Uncertain significance (1 of 4 stars; one submission).

Allele frequency attached by ClinVar (database versions not stated): gnomAD 0.00001; TOPMed 0.00001.
gnomAD v4.1: 8 of 1,613,900 alleles (0.0005%); highest among the groups gnomAD compares: Non-Finnish European, 0.00068%; no homozygotes.

Submission:

Labcorp Genetics (formerly Invitae), Labcorp
Classification: Uncertain significance. Last evaluated: 2019-09-19. Review status: criteria provided, single submitter. Criteria: Invitae Variant Classification Sherloc (09022015). Collection method: clinical testing. Allele origin: germline.
Comment: This sequence change replaces aspartic acid with asparagine at codon 1473 of the MTOR protein (p.Asp1473Asn). The aspartic acid residue is highly conserved and there is a small physicochemical difference between aspartic acid and asparagine. This variant is not present in population databases (ExAC no frequency). This variant has not been reported in the literature in individuals with MTOR-related conditions. Algorithms developed to predict the effect of missense changes on protein structure and function are either unavailable or do not agree on the potential impact of this missense change (SIFT: "Tolerated"; PolyPhen-2: "Possibly Damaging"; Align-GVGD: "Class C0"). In summary, the available evidence is currently insufficient to determine the role of this variant in disease. Therefore, it has been classified as a Variant of Uncertain Significance.